The following is an entry in ClinVar:

ClinVar aggregate classification (germline): Pathogenic (1 of 4 stars; one submission).

Conditions:
Inborn genetic diseases. Identifiers: MedGen C0950123, MeSH D030342.

Submission:

Ambry Genetics
Classification: Pathogenic for Inborn genetic diseases. Last evaluated: 2025-09-12. Review status: criteria provided, single submitter. Criteria: Ambry Variant Classification Scheme 2023. Collection method: clinical testing. Allele origin: germline.
Comment: The c.2606_2643del38 (p.G869Vfs*414) alteration, located in exon 21 (coding exon 21) of the SHANK3 gene, consists of a deletion of 38 nucleotides from position 2606 to 2643, causing a translational frameshift with a predicted alternate stop codon after 414 amino acids. This alteration is expected to result in loss of function by premature protein truncation or nonsense-mediated mRNA decay. This variant was not reported in population-based cohorts in the Genome Aggregation Database (gnomAD). Based on the available evidence, this alteration is classified as pathogenic.

NM_033517.1:c.2606_2643del38

Gene: SHANK3 (SH3 and multiple ankyrin repeat domains 3; plus strand).
Variant type: Deletion.
Other names: c.2606_2643del38 (NM_033517.1).
Identifiers: ClinVar variation 4164538 (VCV004164538.1).